The following is an entry in ClinVar:

NM_000117.3(EMD):c.153del (p.Ser52fs)

Gene: EMD (emerin; plus strand). Cytogenetic location: Xq28.
Variant type: Deletion.
Coding change: c.153del on transcript NM_000117.3 (MANE Select); coding-DNA position 153, one base deleted (C; older notation c.153delC).
Protein change: p.Ser52fs; shifts the reading frame from serine 52.
Molecular consequence: frameshift variant.
Genome position (GRCh38, 1-based): chrX:154,379,760, C deleted; the last of 6 consecutive C bases (chrX:154,379,755-154,379,760); deleting any one gives the same sequence. VCF-style (leftmost placement, unchanged base first): chrX-154379754-GC-G. GRCh37 (hg19) VCF-style: chrX-153608114-GC-G.
Other names: short protein forms S52fs.
Identifiers: ClinVar variation 1074960 (VCV001074960.10), dbSNP rs876661345, ClinGen allele CA519277906.

ClinVar aggregate classification (germline): Pathogenic. Review status: criteria provided, multiple submitters, no conflicts (2 of 4 stars). 2 submissions from 2 submitters: Pathogenic (2). Last evaluated 2024-04-08.

Conditions:
X-linked Emery-Dreifuss muscular dystrophy. Also called: Muscular dystrophy, tardive Emery-Dreifuss type, with contractures. Identifiers: Orphanet 261, Orphanet 98863, MedGen C0751337, MONDO:0010680.
Emery-Dreifuss muscular dystrophy 1, X-linked (EDMD1). Also called: Muscular dystrophy, tardive, Dreifuss-Emery type, with contractures; SCAPULOPERONEAL SYNDROME, X-LINKED; HUMEROPERONEAL NEUROMUSCULAR DISEASE; EMD-Related Emery-Dreifuss Muscular Dystrophy, X-Linked. Identifiers: MedGen CN375556, MONDO:0100531, OMIM 310300.

Submissions (2):

Human Genetics Bochum, Ruhr University Bochum
Classification: Pathogenic for Emery-Dreifuss muscular dystrophy 1, X-linked. Last evaluated: 2024-04-08. Review status: criteria provided, single submitter. Criteria: ACMG Guidelines, 2015. Collection method: clinical testing. Allele origin: germline. Affected: yes.
Comment: ACMG criteria used to clasify this variant: PVS1, PS3_MOD, PM2_SUP

Labcorp Genetics (formerly Invitae), Labcorp
Classification: Pathogenic for X-linked Emery-Dreifuss muscular dystrophy. Last evaluated: 2020-05-12. Review status: criteria provided, single submitter. Criteria: Invitae Variant Classification Sherloc (09022015). Collection method: clinical testing. Allele origin: germline.
Comment: This variant has been observed in individual(s) with X-linked Emery-Dreifuss muscular dystrophy (PMID: 9536090, 19997654). This variant is also known as nt386 delC in the literature. For these reasons, this variant has been classified as Pathogenic. Loss-of-function variants in EMD are known to be pathogenic (PMID: 24365856). This variant is not present in population databases (ExAC no frequency). This sequence change creates a premature translational stop signal (p.Ser52Alafs*13) in the EMD gene. It is expected to result in an absent or disrupted protein product.

Literature cited by the submitters: PubMed 9536090 (cited by Human Genetics Bochum, Ruhr University Bochum and Labcorp Genetics (formerly Invitae), Labcorp); PubMed 12490172 (cited by Human Genetics Bochum, Ruhr University Bochum); PubMed 12736087 (cited by Human Genetics Bochum, Ruhr University Bochum); PubMed 19997654 (cited by Labcorp Genetics (formerly Invitae), Labcorp); PubMed 24365856 (cited by Labcorp Genetics (formerly Invitae), Labcorp).